The following is an entry in ClinVar:

ClinVar aggregate classification (germline): Pathogenic (3 of 4 stars; one submission).

Conditions:
Breast-ovarian cancer, familial, susceptibility to, 1 (BROVCA1). Also called: BRCA1 Hereditary Breast and Ovarian Cancer; OVARIAN CANCER, SUSCEPTIBILITY TO. Identifiers: Orphanet 145, MedGen C2676676, MONDO:0011450, OMIM 604370. Disease mechanism: loss of function.

Submission:

Evidence-based Network for the Interpretation of Germline Mutant Alleles (ENIGMA)
Classification: Pathogenic for Breast-ovarian cancer, familial, susceptibility to, 1. Last evaluated: 2017-12-15. Review status: reviewed by expert panel. Criteria: ENIGMA BRCA1/2 Classification Criteria (2017-06-29). Collection method: curation. Allele origin: germline. Study: ENIGMA.
Comment: Variant allele predicted to encode a truncated non-functional protein.

NM_007294.4(BRCA1):c.5084_5085insG (p.Phe1695fs)

Gene: BRCA1 (BRCA1 DNA repair associated; minus strand). Cytogenetic location: 17q21.31.
Variant type: Insertion.
Coding change: c.5084_5085insG on transcript NM_007294.4 (MANE Select); coding-DNA positions 5084 to 5085, G inserted.
Protein change: p.Phe1695fs; shifts the reading frame from phenylalanine 1695.
Molecular consequence: frameshift variant. On other transcripts: non-coding transcript variant (1).
Genome position: GRCh38 VCF-style: chr17-43063941-A-AC. GRCh37 (hg19) VCF-style: chr17-41215958-A-AC.
Other names: c.4871_4872insG, p.Phe1624Leufs (NM_001407900.1, NM_001407902.1, NM_001407904.1 and 12 more transcripts); c.4868_4869insG, p.Phe1623Leufs (NM_001407915.1, NM_001407916.1, NM_001407917.1 and 1 more transcripts); c.4961_4962insG, p.Phe1654Leufs (NM_001407919.1, NM_001407937.1, NM_001407938.1 and 6 more transcripts); c.4820_4821insG, p.Phe1607Leufs (NM_001407920.1, NM_001407921.1, NM_001407922.1 and 4 more transcripts); c.4817_4818insG, p.Phe1606Leufs (NM_001407927.1, NM_001407928.1, NM_001407929.1 and 4 more transcripts); c.4814_4815insG, p.Phe1605Leufs (NM_001407934.1, NM_001407935.1, NM_001407936.1); c.4958_4959insG, p.Phe1653Leufs (NM_001407939.1, NM_001407940.1, NM_001407670.1 and 10 more transcripts); c.4955_4956insG, p.Phe1652Leufs (NM_001407941.1, NM_001407681.1, NM_001407682.1 and 6 more transcripts); and 74 more; short protein forms F1695fs, F1716fs, F591fs, F1648fs.
Identifiers: ClinVar variation 548238 (VCV000548238.2), dbSNP rs1555578648, ClinGen allele CA658824723.